The following is an entry in ClinVar:

ClinVar aggregate classification (germline): Uncertain significance. Review status: criteria provided, multiple submitters, no conflicts (2 of 4 stars). 2 submissions from 2 submitters: Uncertain significance (2). Last evaluated 2026-06-17.

Conditions:
Inborn genetic diseases. Identifiers: MedGen C0950123, MeSH D030342.

Allele frequency attached by ClinVar (database versions not stated): gnomAD 0.00001; 1000 Genomes Project 30x 0.00016; 1000 Genomes Project 0.00020.
gnomAD v4.1: 2 of 1,590,844 alleles (0.00013%); highest among the groups gnomAD compares: African/African-American, 0.0013%; no homozygotes.

Submissions (2):

Ambry Genetics
Classification: Uncertain significance for Inborn genetic diseases. Last evaluated: 2026-06-17. Review status: criteria provided, single submitter. Criteria: Ambry Variant Classification Scheme 2023. Collection method: clinical testing. Allele origin: germline.

Labcorp Genetics (formerly Invitae), Labcorp
Classification: Uncertain significance. Last evaluated: 2022-12-29. Review status: criteria provided, single submitter. Criteria: Invitae Variant Classification Sherloc (09022015). Collection method: clinical testing. Allele origin: germline.
Comment: In summary, the available evidence is currently insufficient to determine the role of this variant in disease. Therefore, it has been classified as a Variant of Uncertain Significance. Advanced modeling of protein sequence and biophysical properties (such as structural, functional, and spatial information, amino acid conservation, physicochemical variation, residue mobility, and thermodynamic stability) performed at Invitae indicates that this missense variant is not expected to disrupt COL9A2 protein function. This variant has not been reported in the literature in individuals affected with COL9A2-related conditions. The frequency data for this variant in the population databases is considered unreliable, as metrics indicate poor data quality at this position in the gnomAD database. This sequence change replaces proline, which is neutral and non-polar, with histidine, which is basic and polar, at codon 572 of the COL9A2 protein (p.Pro572His).

NM_001852.4(COL9A2):c.1715C>A (p.Pro572His)

Gene: COL9A2 (collagen type IX alpha 2 chain; minus strand). Cytogenetic location: 1p34.2.
Variant type: single nucleotide variant.
Coding change: c.1715C>A on transcript NM_001852.4 (MANE Select); coding-DNA position 1715, C replaced by A.
Protein change: p.Pro572His; replaces proline 572 with histidine.
Molecular consequence: missense variant.
Genome position (GRCh38, 1-based): chr1:40,302,698, G>T on the plus strand (C>A on the coding strand, the complement: COL9A2 is on the minus strand). VCF-style: chr1-40302698-G-T. GRCh37 (hg19) VCF-style: chr1-40768370-G-T.
Other names: c.1715C>A (NM_001852.3); short protein forms P572H.
Identifiers: ClinVar variation 2824815 (VCV002824815.4), dbSNP rs578013765, ClinGen allele CA21041184.